The following is an entry in ClinVar:

NM_000535.7(PMS2):c.34G>A (p.Ala12Thr)

Gene: PMS2 (PMS1 homolog 2, mismatch repair system component; minus strand). Cytogenetic location: 7p22.1.
Variant type: single nucleotide variant.
Coding change: c.34G>A on transcript NM_000535.7 (MANE Select); coding-DNA position 34, G replaced by A.
Protein change: p.Ala12Thr; replaces alanine 12 with threonine.
Molecular consequence: missense variant. On other transcripts: 5 prime UTR variant (8), non-coding transcript variant (1), intron variant (3).
Genome position (GRCh38, 1-based): chr7:6,006,021, C>T on the plus strand (G>A on the coding strand, the complement: PMS2 is on the minus strand). VCF-style: chr7-6006021-C-T. GRCh37 (hg19) VCF-style: chr7-6045652-C-T.
Other names: c.-372G>A (NM_001322003.2, NM_001322005.2, NM_001322009.2 and 1 more transcripts); c.34G>A, p.Ala12Thr (NM_001322006.2, NM_001322014.2); c.-182G>A (NM_001322007.2); c.-851G>A (NM_001322011.2, NM_001322012.2); c.-451G>A (NM_001322015.2); c.-52-1963G>A (NM_001322008.2); c.-242-1963G>A (NM_001322010.2, NM_001322004.2); short protein forms A12T.
Identifiers: ClinVar variation 525590 (VCV000525590.16), dbSNP rs1481967985, ClinGen allele CA366745184.

ClinVar aggregate classification (germline): Uncertain significance. Review status: criteria provided, multiple submitters, no conflicts (2 of 4 stars). 4 submissions from 4 submitters: Uncertain significance (4). Last evaluated 2025-09-18.

Conditions:
Hereditary nonpolyposis colorectal neoplasms. Identifiers: MedGen C0009405, MeSH D003123.
Hereditary cancer-predisposing syndrome. Also called: Neoplastic Syndromes, Hereditary; Tumor predisposition; Hereditary Cancer Syndrome; Hereditary neoplastic syndrome. Identifiers: Orphanet 140162, MedGen C0027672, MeSH D009386, MONDO:0015356.

Allele frequency attached by ClinVar (database versions not stated): gnomAD exomes below 0.00001; TOPMed below 0.00001; gnomAD 0.00001.
gnomAD v4.1: 2 of 1,610,576 alleles (0.00012%); highest among the groups gnomAD compares: East Asian, 0.0022%; no homozygotes.

Submissions (4):

Color Diagnostics, LLC DBA Color Health
Classification: Uncertain significance for Hereditary cancer-predisposing syndrome. Last evaluated: 2025-09-18. Review status: criteria provided, single submitter. Criteria: ACMG Guidelines, 2015. Collection method: clinical testing. Allele origin: germline.
Comment: This missense variant replaces alanine with threonine at codon 12 of the PMS2 protein. Computational prediction suggests that this variant may not impact protein structure and function. To our knowledge, functional studies have not been reported for this variant. This variant has not been reported in individuals affected with PMS2-related disorders in the literature. This variant has not been identified in the general population by the Genome Aggregation Database (gnomAD). The available evidence is insufficient to determine the role of this variant in disease conclusively. Therefore, this variant is classified as a Variant of Uncertain Significance.

Labcorp Genetics (formerly Invitae), Labcorp
Classification: Uncertain significance for Hereditary nonpolyposis colorectal neoplasms. Last evaluated: 2025-04-14. Review status: criteria provided, single submitter. Criteria: Invitae Variant Classification Sherloc (09022015). Collection method: clinical testing. Allele origin: germline.
Comment: This sequence change replaces alanine, which is neutral and non-polar, with threonine, which is neutral and polar, at codon 12 of the PMS2 protein (p.Ala12Thr). This variant is not present in population databases (gnomAD no frequency). This variant has not been reported in the literature in individuals affected with PMS2-related conditions. ClinVar contains an entry for this variant (Variation ID: 525590). Invitae Evidence Modeling of protein sequence and biophysical properties (such as structural, functional, and spatial information, amino acid conservation, physicochemical variation, residue mobility, and thermodynamic stability) indicates that this missense variant is not expected to disrupt PMS2 protein function with a negative predictive value of 95%. In summary, the available evidence is currently insufficient to determine the role of this variant in disease. Therefore, it has been classified as a Variant of Uncertain Significance.

Ambry Genetics
Classification: Uncertain significance for Hereditary cancer-predisposing syndrome. Last evaluated: 2024-02-19. Review status: criteria provided, single submitter. Criteria: Ambry Variant Classification Scheme 2023. Collection method: clinical testing. Allele origin: germline.
Comment: The p.A12T variant (also known as c.34G>A), located in coding exon 2 of the PMS2 gene, results from a G to A substitution at nucleotide position 34. The alanine at codon 12 is replaced by threonine, an amino acid with similar properties. This variant was detected in 0 of 1292 individuals with biliary tract cancer and 1 of 37583 controls without a personal or family history of cancer (Okawa Y et al. J Hepatol, 2023 Feb;78:333-342). This nucleotide position is highly conserved in available vertebrate species. This amino acid position is highly conserved in available vertebrate species. In addition, the in silico prediction for this alteration is inconclusive. Based on the available evidence, the clinical significance of this alteration remains unclear.

GeneDx
Classification: Uncertain significance. Last evaluated: 2023-02-22. Review status: criteria provided, single submitter. Criteria: GeneDx Variant Classification Process June 2021. Collection method: clinical testing. Allele origin: germline. Affected: yes.
Comment: Not observed at significant frequency in large population cohorts (gnomAD); In silico analysis supports that this missense variant has a deleterious effect on protein structure/function; Has not been previously published as pathogenic or benign to our knowledge; This variant is associated with the following publications: (PMID: 11574484)

Literature cited by the submitters: PubMed 36243179 (cited by Ambry Genetics).